The following is an entry in ClinVar:

ClinVar aggregate classification (germline): Uncertain significance. Review status: criteria provided, multiple submitters, no conflicts (2 of 4 stars). 2 submissions from 2 submitters: Uncertain significance (2). Last evaluated 2026-03-25.

Conditions:
Hereditary cancer-predisposing syndrome. Also called: Neoplastic Syndromes, Hereditary; Tumor predisposition; Hereditary Cancer Syndrome; Hereditary neoplastic syndrome. Identifiers: Orphanet 140162, MedGen C0027672, MeSH D009386, MONDO:0015356.
Gastrointestinal stromal tumor. Also called: Gastrointestinal stromal tumor, somatic; Gastrointestinal stroma tumor. Identifiers: Orphanet 44890, MedGen C0238198, MeSH D046152, MONDO:0011719, OMIM 606764, HP:0100723.

Submissions (2):

Ambry Genetics
Classification: Uncertain significance for Hereditary cancer-predisposing syndrome. Last evaluated: 2026-03-25. Review status: criteria provided, single submitter. Criteria: Ambry Variant Classification Scheme 2023. Collection method: clinical testing. Allele origin: germline.
Comment: The p.K504R variant (also known as c.1511A>G), located in coding exon 9 of the PDGFRA gene, results from an A to G substitution at nucleotide position 1511. The lysine at codon 504 is replaced by arginine, an amino acid with highly similar properties. This amino acid position is conserved. In addition, this alteration is predicted to be tolerated by in silico analysis. Based on the available evidence, the clinical significance of this variant remains unclear.

Labcorp Genetics (formerly Invitae), Labcorp
Classification: Uncertain significance for Gastrointestinal stromal tumor. Last evaluated: 2025-06-12. Review status: criteria provided, single submitter. Criteria: Invitae Variant Classification Sherloc (09022015). Collection method: clinical testing. Allele origin: germline.
Comment: This sequence change replaces lysine, which is basic and polar, with arginine, which is basic and polar, at codon 504 of the PDGFRA protein (p.Lys504Arg). This variant is not present in population databases (gnomAD no frequency). This variant has not been reported in the literature in individuals affected with PDGFRA-related conditions. ClinVar contains an entry for this variant (Variation ID: 3725064). An algorithm developed to predict the effect of missense changes on protein structure and function outputs the following: PolyPhen-2: "Benign". The arginine amino acid residue is found in multiple mammalian species, which suggests that this missense change does not adversely affect protein function. In summary, the available evidence is currently insufficient to determine the role of this variant in disease. Therefore, it has been classified as a Variant of Uncertain Significance.

NM_006206.6(PDGFRA):c.1511A>G (p.Lys504Arg)

Gene: PDGFRA (platelet derived growth factor receptor alpha; plus strand). Cytogenetic location: 4q12.
Variant type: single nucleotide variant.
Coding change: c.1511A>G on transcript NM_006206.6 (MANE Select); coding-DNA position 1511, A replaced by G.
Protein change: p.Lys504Arg; replaces lysine 504 with arginine.
Molecular consequence: missense variant.
Genome position (GRCh38, 1-based): chr4:54,273,683, A>G. VCF-style: chr4-54273683-A-G. GRCh37 (hg19) VCF-style: chr4-55139850-A-G.
Other names: c.1511A>G, p.Lys504Arg (NM_001347827.2, NM_001347829.2); c.1586A>G, p.Lys529Arg (NM_001347828.2); c.1550A>G, p.Lys517Arg (NM_001347830.2); short protein forms K517R, K529R, K504R.
Identifiers: ClinVar variation 3725064 (VCV003725064.3).